The following is an entry in ClinVar:

NM_014991.6(WDFY3):c.10523A>G (p.Asn3508Ser)

Gene: WDFY3 (WD repeat and FYVE domain containing 3; minus strand). Cytogenetic location: 4q21.23.
Variant type: single nucleotide variant.
Coding change: c.10523A>G on transcript NM_014991.6 (MANE Select); coding-DNA position 10523, A replaced by G.
Protein change: p.Asn3508Ser; replaces asparagine 3508 with serine.
Molecular consequence: missense variant.
Genome position (GRCh38, 1-based): chr4:84,672,926, T>C on the plus strand (A>G on the coding strand, the complement: WDFY3 is on the minus strand). VCF-style: chr4-84672926-T-C. GRCh37 (hg19) VCF-style: chr4-85594079-T-C.
Other names: short protein forms N3508S.
Identifiers: ClinVar variation 3603064 (VCV003603064.1).

ClinVar aggregate classification (germline): Uncertain significance (1 of 4 stars; one submission).

Submission:

GeneDx
Classification: Uncertain significance. Last evaluated: 2024-08-02. Review status: criteria provided, single submitter. Criteria: GeneDx Variant Classification Process June 2021. Collection method: clinical testing. Allele origin: germline. Affected: yes.
Comment: Not observed at significant frequency in large population cohorts (gnomAD); In silico analysis indicates that this missense variant does not alter protein structure/function; Has not been previously published as pathogenic or benign to our knowledge